The following is an entry in ClinVar:

ClinVar aggregate classification (germline): Uncertain significance (1 of 4 stars; one submission).

Submission:

GeneDx
Classification: Uncertain significance. Last evaluated: 2025-01-22. Review status: criteria provided, single submitter. Criteria: GeneDx Variant Classification Process June 2021. Collection method: clinical testing. Allele origin: germline. Affected: yes.
Comment: Not observed at significant frequency in large population cohorts (gnomAD); In-frame deletion of 2 amino acids and insertion of 2 different amino acids in a non-repeat region; In silico analysis indicates that this variant does not alter protein structure/function; Has not been previously published as pathogenic or benign to our knowledge

NM_001256012.3(MYH10):c.3111_3112delinsAT (p.Asp1037_Arg1038delinsGluCys)

Gene: MYH10 (myosin heavy chain 10; minus strand). Cytogenetic location: 17p13.1.
Variant type: Indel.
Coding change: c.3111_3112delinsAT on transcript NM_001256012.3 (MANE Select); coding-DNA positions 3111 to 3112, TC replaced by AT.
Protein change: p.Asp1037_Arg1038delinsGluCys.
Molecular consequence: missense variant.
Genome position (GRCh38, 1-based): chr17:8,508,656-8,508,657, GA replaced by AT on the plus strand (TC replaced by AT on the coding strand, the reverse complement: MYH10 is on the minus strand). VCF-style: chr17-8508656-GA-AT. GRCh37 (hg19) VCF-style: chr17-8411974-GA-AT.
Other names: c.3045_3046delinsAT, p.Asp1015_Arg1016delinsGluCys (NM_001256095.2); c.3048_3049delinsAT, p.Asp1016_Arg1017delinsGluCys (NM_001375266.1); c.3018_3019delinsAT, p.Asp1006_Arg1007delinsGluCys (NM_005964.5).
Identifiers: ClinVar variation 4071745 (VCV004071745.1).